The following is an entry in ClinVar:

NM_001384140.1(PCDH15):c.3463G>A (p.Glu1155Lys)

Gene: PCDH15 (protocadherin related 15; minus strand). Cytogenetic location: 10q21.1.
Variant type: single nucleotide variant.
Coding change: c.3463G>A on transcript NM_001384140.1 (MANE Select); coding-DNA position 3463, G replaced by A.
Protein change: p.Glu1155Lys; replaces glutamic acid 1155 with lysine.
Molecular consequence: missense variant.
Genome position (GRCh38, 1-based): chr10:53,903,281, C>T on the plus strand (G>A on the coding strand, the complement: PCDH15 is on the minus strand). VCF-style: chr10-53903281-C-T. GRCh37 (hg19) VCF-style: chr10-55663041-C-T.
Other names: c.3478G>A, p.Glu1160Lys (NM_001142763.2, NM_001142771.2); c.3463G>A, p.Glu1155Lys (NM_001142764.2, NM_001142766.2, NM_001142770.3 and 4 more transcripts); c.3250G>A, p.Glu1084Lys (NM_001142765.2); c.3352G>A, p.Glu1118Lys (NM_001142767.2); c.3397G>A, p.Glu1133Lys (NM_001142768.2, NM_001142773.2, NM_001354404.2); c.3499G>A, p.Glu1167Lys (NM_001142769.4); c.3484G>A, p.Glu1162Lys (NM_001354411.2); short protein forms E1084K, E1118K, E1133K, E1155K, E1160K, E1162K, E1167K.
Identifiers: ClinVar variation 3364601 (VCV003364601.1).

ClinVar aggregate classification (germline): Uncertain significance (1 of 4 stars; one submission).

Submission:

GeneDx
Classification: Uncertain significance. Last evaluated: 2023-11-27. Review status: criteria provided, single submitter. Criteria: GeneDx Variant Classification Process June 2021. Collection method: clinical testing. Allele origin: germline. Affected: yes.
Comment: Not observed at significant frequency in large population cohorts (gnomAD); In silico analysis supports that this missense variant does not alter protein structure/function; Has not been previously published as pathogenic or benign to our knowledge